The following is an entry in ClinVar:

NM_000206.3(IL2RG):c.879del (p.Lys294fs)

Gene: IL2RG (interleukin 2 receptor subunit gamma; minus strand). Cytogenetic location: Xq13.1.
Variant type: Deletion.
Coding change: c.879del on transcript NM_000206.3 (MANE Select); coding-DNA position 879, one base deleted (G; older notation c.879delG).
Protein change: p.Lys294fs; shifts the reading frame from lysine 294.
Molecular consequence: frameshift variant.
Genome position (GRCh38, 1-based): chrX:71,108,322, C deleted on the plus strand (G on the coding strand, the reverse complement: IL2RG is on the minus strand). VCF-style (leftmost placement, unchanged base first): chrX-71108321-TC-T. GRCh37 (hg19) VCF-style: chrX-70328171-TC-T.
Other names: short protein forms K294fs.
Identifiers: ClinVar variation 2029741 (VCV002029741.4), dbSNP rs2521702130, ClinGen allele CA2580101315.
Genomic context (GRCh38, chrX:71,108,321, plus strand): 5'-ATGACAGCGTTCTCACCGAAAAGTTCCCGTGGTATTCAGTAACAAGATCCTCTAGGTTCT[TC>T]AGGGTGGGAATTCGGGGCATCGTCCTGACAGGGGAGAAAGAGGGAGCAGGAGCACATAGG-3'

ClinVar aggregate classification (germline): Pathogenic (1 of 4 stars; one submission).

Conditions:
X-linked severe combined immunodeficiency (SCIDX1). Also called: IMMUNODEFICIENCY 4; SCID, X-LINKED; SEVERE COMBINED IMMUNODEFICIENCY, X-LINKED, T CELL-NEGATIVE, B CELL-POSITIVE, NK CELL-NEGATIVE; T-B+ severe combined immunodeficiency due to gamma chain deficiency; X-Linked Combined Immunodeficiency Diseases. Identifiers: Orphanet 276, MedGen C6022468, MONDO:0010315, OMIM 300400. Disease mechanism: loss of function.

Submission:

Labcorp Genetics (formerly Invitae), Labcorp
Classification: Pathogenic for X-linked severe combined immunodeficiency. Last evaluated: 2022-09-09. Review status: criteria provided, single submitter. Criteria: Invitae Variant Classification Sherloc (09022015). Collection method: clinical testing. Allele origin: germline.
Comment: This variant has not been reported in the literature in individuals affected with IL2RG-related conditions. For these reasons, this variant has been classified as Pathogenic. This variant disrupts a region of the IL2RG protein in which other variant(s) (p.Arg328*) have been determined to be pathogenic (PMID: 28747913, 30622570, 30778380, 31799703, 32499645). This suggests that this is a clinically significant region of the protein, and that variants that disrupt it are likely to be disease-causing. This variant is not present in population databases (gnomAD no frequency). This sequence change creates a premature translational stop signal (p.Lys294Argfs*3) in the IL2RG gene. While this is not anticipated to result in nonsense mediated decay, it is expected to disrupt the last 76 amino acid(s) of the IL2RG protein.

Literature cited by the submitters: PubMed 28747913; PubMed 30622570; PubMed 30778380; PubMed 31799703; PubMed 32499645.